The following is an entry in ClinVar:

GRCh37/hg19 Xq24-25(chrX:120750703-124254005)x3

Genes: GRIA3 (glutamate ionotropic receptor AMPA type subunit 3; plus strand), SH2D1A (SH2 domain containing 1A; plus strand), STAG2 (STAG2 cohesin complex component; plus strand), TENM1 (teneurin transmembrane protein 1; minus strand), THOC2 (THO complex subunit 2; minus strand) and 1 more. Cytogenetic location: Xq24-25.
Variant type: copy number gain.
Change: copy number 3 of chrX:120,750,703-124,254,005 (3.50 Mb, GRCh37 coordinates, 1-based), cytogenetic band Xq24-25.
Identifiers: ClinVar variation 2685007 (VCV002685007.1).

ClinVar aggregate classification (germline): Pathogenic (1 of 4 stars; one submission).

Submission:

Quest Diagnostics Nichols Institute San Juan Capistrano
Classification: Pathogenic. Last evaluated: 2022-12-09. Review status: criteria provided, single submitter. Criteria: ACMG/ClinGen CNV Guidelines, 2019. Collection method: clinical testing. Allele origin: unknown.
Comment: This copy number gain of Xq24q25 fully encompasses the region associated with Xq25 duplication syndrome (OMIM 300979, Turchi 2020, Leroy 2016, Di Benedetto 2014, Yingjun 2015, Philippe 2013), including genes STAG2 (OMIM 300826, Kumar 2015, Mullegama 2019), XIAP (OMIM 300079), and THOC2 (OMIM 300395). There are no similar copy number gains of this region in the general populations of the Database of Genomic Variants. Thus, this copy number variant (CNV) is classified as pathogenic. References Di Benedetto et al. Am J Med Genet A. 2014 Aug;164A(8):1923-30. PMID: 24733578 Kumar et al. Hum Mol Genet. 2015 Dec 20;24(25):7171-8: PMID: 26443594 Leroy et al. Clin Genet. 2016 Jan;89(1):68-73. PMID: 25677961 Mullegama et al., Mol Genet Genomic Med. 2019 Feb;7(2):e00501. PMID: 30447054 Philippe et al., Am J Med Genet A. 2013 Jun;161A(6):1370-5., PMID: 23637084 Turchi et al., Clin Dysmorphol. 2020 Apr;29(2):90-96. PMID: 31609727 Yingjun et al. Eur J Med Genet. 2015 Feb;58(2):116-21. PMID: 25450604